The following is an entry in ClinVar:

ClinVar aggregate classification (germline): Uncertain significance. Review status: criteria provided, multiple submitters, no conflicts (2 of 4 stars). 2 submissions from 2 submitters: Uncertain significance (2). Last evaluated 2025-05-14.

Conditions:
Immunodeficiency 39 (IMD39). Identifiers: Orphanet 574918, MedGen C4225358, MONDO:0014597, OMIM 616345.

Allele frequency attached by ClinVar (database versions not stated): gnomAD exomes below 0.00001.

Submissions (2):

Labcorp Genetics (formerly Invitae), Labcorp
Classification: Uncertain significance for Immunodeficiency 39. Last evaluated: 2025-05-14. Review status: criteria provided, single submitter. Criteria: Invitae Variant Classification Sherloc (09022015). Collection method: clinical testing. Allele origin: germline.
Comment: This sequence change replaces glycine, which is neutral and non-polar, with serine, which is neutral and polar, at codon 477 of the IRF7 protein (p.Gly477Ser). This variant is not present in population databases (gnomAD no frequency). This variant has not been reported in the literature in individuals affected with IRF7-related conditions. ClinVar contains an entry for this variant (Variation ID: 640013). Invitae Evidence Modeling of protein sequence and biophysical properties (such as structural, functional, and spatial information, amino acid conservation, physicochemical variation, residue mobility, and thermodynamic stability) indicates that this missense variant is not expected to disrupt IRF7 protein function with a negative predictive value of 80%. In summary, the available evidence is currently insufficient to determine the role of this variant in disease. Therefore, it has been classified as a Variant of Uncertain Significance.

Breakthrough Genomics
Classification: Uncertain significance. Review status: criteria provided, single submitter. Criteria: ACMG Guidelines, 2015. Collection method: not provided. Allele origin: germline. Inheritance: Autosomal recessive inheritance. Affected: yes.

NM_001572.5(IRF7):c.1390G>A (p.Gly464Ser)

Gene: IRF7 (interferon regulatory factor 7; minus strand). Cytogenetic location: 11p15.5.
Variant type: single nucleotide variant.
Coding change: c.1390G>A on transcript NM_001572.5 (MANE Select); coding-DNA position 1390, G replaced by A.
Protein change: p.Gly464Ser; replaces glycine 464 with serine.
Molecular consequence: missense variant.
Genome position (GRCh38, 1-based): chr11:612,767, C>T on the plus strand (G>A on the coding strand, the complement: IRF7 is on the minus strand). VCF-style: chr11-612767-C-T. GRCh37 (hg19) VCF-style: chr11-612767-C-T.
Other names: c.1390G>A, p.Gly464Ser (LRG_1313t1); c.1303G>A, p.Gly435Ser (NM_004029.4); c.1429G>A, p.Gly477Ser (NM_004031.4); short protein forms G435S, G477S, G464S.
Identifiers: ClinVar variation 640013 (VCV000640013.9), dbSNP rs1589916143, ClinGen allele CA378976047.